The following is an entry in ClinVar:

NM_001621.5(AHR):c.1918C>G (p.Gln640Glu)

Gene: AHR (aryl hydrocarbon receptor; plus strand). Cytogenetic location: 7p21.1.
Variant type: single nucleotide variant.
Coding change: c.1918C>G on transcript NM_001621.5 (MANE Select); coding-DNA position 1918, C replaced by G.
Protein change: p.Gln640Glu; replaces glutamine 640 with glutamic acid.
Molecular consequence: missense variant.
Genome position (GRCh38, 1-based): chr7:17,339,743, C>G. VCF-style: chr7-17339743-C-G. GRCh37 (hg19) VCF-style: chr7-17379367-C-G.
Other names: short protein forms Q640E.
Identifiers: ClinVar variation 1713835 (VCV001713835.5), dbSNP rs2534451115, ClinGen allele CA366895489.

ClinVar aggregate classification (germline): Uncertain significance (1 of 4 stars; one submission).

Submission:

Labcorp Genetics (formerly Invitae), Labcorp
Classification: Uncertain significance. Last evaluated: 2022-08-03. Review status: criteria provided, single submitter. Criteria: Invitae Variant Classification Sherloc (09022015). Collection method: clinical testing. Allele origin: germline.
Comment: In summary, the available evidence is currently insufficient to determine the role of this variant in disease. Therefore, it has been classified as a Variant of Uncertain Significance. Algorithms developed to predict the effect of missense changes on protein structure and function are either unavailable or do not agree on the potential impact of this missense change (SIFT: "Tolerated"; PolyPhen-2: "Possibly Damaging"; Align-GVGD: "Class C0"). This variant has not been reported in the literature in individuals affected with AHR-related conditions. This variant is not present in population databases (gnomAD no frequency). This sequence change replaces glutamine, which is neutral and polar, with glutamic acid, which is acidic and polar, at codon 640 of the AHR protein (p.Gln640Glu).